The following is an entry in ClinVar:

ClinVar aggregate classification (germline): Conflicting classifications of pathogenicity. Review status: criteria provided, conflicting classifications (1 of 4 stars). 6 submissions from 6 submitters: Uncertain significance (3); Likely benign (3). Last evaluated 2025-11-18.

Conditions:
Familial cancer of breast. Also called: Hereditary breast cancer; hereditary breast carcinoma; BREAST CANCER, FAMILIAL. Identifiers: Orphanet 227535, MedGen C0346153, MONDO:0016419, OMIM 114480. Disease mechanism: loss of function.
Breast-ovarian cancer, familial, susceptibility to, 2 (BROVCA2). Also called: BRCA2 Hereditary Breast and Ovarian Cancer. Identifiers: Orphanet 145, MedGen C2675520, MONDO:0012933, OMIM 612555. Disease mechanism: loss of function.
Medulloblastoma (MDB). Also called: MEDULLOBLASTOMA PREDISPOSITION SYNDROME; Medulloblastoma, somatic. Identifiers: Orphanet 616, MedGen C0025149, MeSH D008527, MONDO:0007959, OMIM 155255, HP:0002885.
Wilms tumor 1 (WT1). Also called: Wilms tumor, somatic. Identifiers: Orphanet 654, MedGen CN033288, MONDO:0008679, OMIM 194070.
Fanconi anemia complementation group D1. Also called: BRCA2-Related Fanconi Anemia. Identifiers: Orphanet 319462, MedGen C1838457, MONDO:0011584, OMIM 605724.
Pancreatic cancer, susceptibility to, 2. Identifiers: Orphanet 1333, MedGen C3150546, MONDO:0013235, OMIM 613347.
Glioma susceptibility 3 (GLM3). Also called: Glioblastoma 3. Identifiers: Orphanet 182067, Orphanet 360, MedGen C2751641, MONDO:0013093, OMIM 613029.
Familial prostate cancer. Also called: Hereditary Prostate Cancer. Identifiers: MedGen C2931456, MONDO:0700275, OMIM 176807.
Hereditary cancer-predisposing syndrome. Also called: Hereditary Cancer Syndrome; Hereditary neoplastic syndrome; Neoplastic Syndromes, Hereditary; Tumor predisposition. Identifiers: Orphanet 140162, MedGen C0027672, MeSH D009386, MONDO:0015356.
Hereditary breast ovarian cancer syndrome. Also called: Hereditary breast and/or ovarian cancer syndrome; Hereditary breast and ovarian cancer syndrome; Hereditary breast and ovarian cancer syndrome (HBOC); BRCA1- and BRCA2-Associated Hereditary Breast and Ovarian Cancer; Hereditary breast and ovarian cancer; Breast and ovarian cancer. Identifiers: Orphanet 145, MedGen C0677776, MeSH D061325, MONDO:0003582. Disease mechanism: loss of function.

Submissions (6):

Labcorp Genetics (formerly Invitae), Labcorp
Classification: Uncertain significance for Hereditary breast ovarian cancer syndrome. Last evaluated: 2025-11-18. Review status: criteria provided, single submitter. Criteria: Invitae Variant Classification Sherloc (09022015). Collection method: clinical testing. Allele origin: germline.
Comment: This sequence change replaces serine, which is neutral and polar, with asparagine, which is neutral and polar, at codon 378 of the BRCA2 protein (p.Ser378Asn). This variant is not present in population databases (gnomAD no frequency). This variant has not been reported in the literature in individuals affected with BRCA2-related conditions. ClinVar contains an entry for this variant (Variation ID: 818401). Invitae Evidence Modeling of protein sequence and biophysical properties (such as structural, functional, and spatial information, amino acid conservation, physicochemical variation, residue mobility, and thermodynamic stability) indicates that this missense variant is not expected to disrupt BRCA2 protein function with a negative predictive value of 95%. In summary, the available evidence is currently insufficient to determine the role of this variant in disease. Therefore, it has been classified as a Variant of Uncertain Significance.

Center for Genomic Medicine, Rigshospitalet, Copenhagen University Hospital
Classification: Likely benign. Last evaluated: 2025-03-04. Review status: criteria provided, single submitter. Criteria: ACMG Guidelines, 2015. Collection method: clinical testing. Allele origin: germline.

Fulgent Genetics
Classification: Uncertain significance for Familial cancer of breast; Medulloblastoma; Familial prostate cancer; Wilms tumor 1; Fanconi anemia complementation group D1; Breast-ovarian cancer, familial, susceptibility to, 2; Glioma susceptibility 3; Pancreatic cancer, susceptibility to, 2. Last evaluated: 2024-04-03. Review status: criteria provided, single submitter. Criteria: ACMG Guidelines, 2015. Collection method: clinical testing. Allele origin: germline.

All of Us Research Program, National Institutes of Health
Classification: Uncertain significance for Breast-ovarian cancer, familial, susceptibility to, 2. Last evaluated: 2023-06-08. Review status: criteria provided, single submitter. Criteria: ACMG Guidelines, 2015. Collection method: clinical testing. Allele origin: germline. Inheritance: Autosomal dominant inheritance. Observed: 1 variant allele, 1 heterozygote.
Comment: This missense variant replaces serine with asparagine at codon 378 of the BRCA2 protein. Computational prediction suggests that this variant may not impact protein structure and function (internally defined REVEL score threshold <= 0.5, PMID: 27666373). To our knowledge, functional studies have not been reported for this variant. This variant has been reported in an individual affected with breast cancer (PMID: 33471991; Leiden Open Variation Database DB-ID BRCA2_007792). This variant has not been identified in the general population by the Genome Aggregation Database (gnomAD). The available evidence is insufficient to determine the role of this variant in disease conclusively. Therefore, this variant is classified as a Variant of Uncertain Significance.

This study involves interpretation of variants in research participants for the purpose of population health screening. Participant phenotype was not available at the time of variant classification. Additional details can be found in publication PMID: 35346344, PMCID: PMC8962531

University of Washington Department of Laboratory Medicine, University of Washington
Classification: Likely benign for Hereditary cancer-predisposing syndrome. Last evaluated: 2023-03-23. Review status: criteria provided, single submitter. Criteria: Dines et al. (Genet Med. 2020). Collection method: curation. Allele origin: germline.
Comment: Missense variant in a coldspot region where missense variants are very unlikely to be pathogenic (PMID:31911673).

BRCA2 exon 10 coldspot. Reclassification based on statistical prior probability.

Ambry Genetics
Classification: Likely benign for Hereditary cancer-predisposing syndrome. Last evaluated: 2017-11-02. Review status: criteria provided, single submitter. Criteria: Ambry Variant Classification Scheme 2023. Collection method: clinical testing. Allele origin: germline.

Literature cited by the submitters: PubMed 33471991 (cited by All of Us Research Program, National Institutes of Health).

NM_000059.4(BRCA2):c.1133G>A (p.Ser378Asn)

Gene: BRCA2 (BRCA2 DNA repair associated; plus strand). Cytogenetic location: 13q13.1.
Variant type: single nucleotide variant.
Coding change: c.1133G>A on transcript NM_000059.4 (MANE Select); coding-DNA position 1133, G replaced by A.
Protein change: p.Ser378Asn; replaces serine 378 with asparagine.
Molecular consequence: missense variant.
Genome position (GRCh38, 1-based): chr13:32,332,611, G>A. VCF-style: chr13-32332611-G-A. GRCh37 (hg19) VCF-style: chr13-32906748-G-A.
Other names: short protein forms S378N.
Identifiers: ClinVar variation 818401 (VCV000818401.20), dbSNP rs1593892009, ClinGen allele CA387761745.
Genomic context (GRCh38, chr13:32,332,611, plus strand): 5'-TGGAACCAAATGATACTGATCCATTAGATTCAAATGTAGCAAATCAGAAGCCCTTTGAGA[G>A]TGGAAGTGACAAAATCTCCAAGGAAGTTGTACCGTCTTTGGCCTGTGAATGGTCTCAACT-3'
Protein context (NP_000050.3, residues 368-388): SNVANQKPFE[Ser378Asn]GSDKISKEVV